The following is an entry in ClinVar:

ClinVar aggregate classification (germline): Uncertain significance (1 of 4 stars; one submission).

Allele frequency attached by ClinVar (database versions not stated): gnomAD 0.00001.
gnomAD v4.1: 13 of 1,601,674 alleles (0.00081%); highest among the groups gnomAD compares: South Asian, 0.0011%; no homozygotes.

Submission:

Labcorp Genetics (formerly Invitae), Labcorp
Classification: Uncertain significance. Last evaluated: 2021-05-20. Review status: criteria provided, single submitter. Criteria: Invitae Variant Classification Sherloc (09022015). Collection method: clinical testing. Allele origin: germline.
Comment: Advanced modeling of protein sequence and biophysical properties (such as structural, functional, and spatial information, amino acid conservation, physicochemical variation, residue mobility, and thermodynamic stability) performed at Invitae indicates that this missense variant is not expected to disrupt DCHS1 protein function. This sequence change replaces glycine with arginine at codon 2860 of the DCHS1 protein (p.Gly2860Arg). The glycine residue is highly conserved and there is a moderate physicochemical difference between glycine and arginine. This variant is not present in population databases (ExAC no frequency). This variant has not been reported in the literature in individuals with DCHS1-related conditions. In summary, the available evidence is currently insufficient to determine the role of this variant in disease. Therefore, it has been classified as a Variant of Uncertain Significance.

NM_003737.4(DCHS1):c.8578G>C (p.Gly2860Arg)

Gene: DCHS1 (dachsous cadherin-related 1; minus strand). Cytogenetic location: 11p15.4.
Variant type: single nucleotide variant.
Coding change: c.8578G>C on transcript NM_003737.4 (MANE Select); coding-DNA position 8578, G replaced by C.
Protein change: p.Gly2860Arg; replaces glycine 2860 with arginine.
Molecular consequence: missense variant.
Genome position (GRCh38, 1-based): chr11:6,623,098, C>G on the plus strand (G>C on the coding strand, the complement: DCHS1 is on the minus strand). VCF-style: chr11-6623098-C-G. GRCh37 (hg19) VCF-style: chr11-6644329-C-G.
Other names: short protein forms G2860R.
Identifiers: ClinVar variation 1364608 (VCV001364608.8), dbSNP rs1855730279, ClinGen allele CA379480730.